The following is an entry in ClinVar:

NM_000535.7(PMS2):c.1741A>C (p.Lys581Gln)

Gene: PMS2 (PMS1 homolog 2, mismatch repair system component; minus strand). Cytogenetic location: 7p22.1.
Variant type: single nucleotide variant.
Coding change: c.1741A>C on transcript NM_000535.7 (MANE Select); coding-DNA position 1741, A replaced by C.
Protein change: p.Lys581Gln; replaces lysine 581 with glutamine.
Molecular consequence: missense variant. On other transcripts: non-coding transcript variant (1), intron variant (1).
Genome position (GRCh38, 1-based): chr7:5,987,024, T>G on the plus strand (A>C on the coding strand, the complement: PMS2 is on the minus strand). VCF-style: chr7-5987024-T-G. GRCh37 (hg19) VCF-style: chr7-6026655-T-G.
Other names: c.1573A>C, p.Lys525Gln (NM_001406874.1); c.1432A>C, p.Lys478Gln (NM_001406875.1, NM_001406877.1, NM_001406878.1 and 5 more transcripts); c.1423A>C, p.Lys475Gln (NM_001406876.1, NM_001406883.1, NM_001322007.2 and 2 more transcripts); c.1336A>C, p.Lys446Gln (NM_001406893.1, NM_001406894.1, NM_001406895.1 and 16 more transcripts); c.1276A>C, p.Lys426Gln (NM_001406900.1); c.1267A>C, p.Lys423Gln (NM_001406901.1, NM_001406902.1); c.1585A>C, p.Lys529Gln (NM_001322006.2, NM_001406870.1); c.1180A>C, p.Lys394Gln (NM_001322010.2, NM_001406906.1, NM_001406907.1); and 13 more; short protein forms K270Q, K390Q, K426Q, K446Q, K459Q, K473Q, K478Q, K410Q.
Identifiers: ClinVar variation 5026911 (VCV005026911.1).
Genomic context (GRCh38, chr7:5,987,024, plus strand): 5'-ACATGTCCTGAGTATTTACTAACTTTTGACAAATGTCAGAACTGGAAAGAATTTCTTCTT[T>G]TTTAAAACGCTTTGTGTTTGGGGTTGCGAGATTAGTTGGCTGAGGCAAAACTCGAAATTT-3'
Protein context (NP_000526.2, residues 571-591): LATPNTKRFK[Lys581Gln]EEILSSSDIC

ClinVar aggregate classification (germline): Uncertain significance (1 of 4 stars; one submission).

Conditions:
Hereditary cancer-predisposing syndrome. Also called: Neoplastic Syndromes, Hereditary; Tumor predisposition; Hereditary neoplastic syndrome; Hereditary Cancer Syndrome. Identifiers: Orphanet 140162, MedGen C0027672, MeSH D009386, MONDO:0015356.

Submission:

Ambry Genetics
Classification: Uncertain significance for Hereditary cancer-predisposing syndrome. Last evaluated: 2026-07-06. Review status: criteria provided, single submitter. Criteria: Ambry Variant Classification Scheme 2023. Collection method: clinical testing. Allele origin: germline.
Comment: The p.K581Q variant (also known as c.1741A>C), located in coding exon 11 of the PMS2 gene, results from an A to C substitution at nucleotide position 1741. The lysine at codon 581 is replaced by glutamine, an amino acid with similar properties. This amino acid position is conserved. In addition, this alteration is predicted to be tolerated by in silico analysis. Based on the available evidence, the clinical significance of this variant remains unclear.